The following is an entry in ClinVar:

ClinVar aggregate classification (germline): Uncertain significance (1 of 4 stars; one submission).

Conditions:
Dilated cardiomyopathy 1O (CMD1O). Also called: CARDIOMYOPATHY, DILATED, WITH VENTRICULAR TACHYCARDIA. Identifiers: Orphanet 154, MedGen C1837839, MONDO:0012062, OMIM 608569.

gnomAD v4.1: 1 of 1,613,436 alleles (0.000062%); highest among the groups gnomAD compares: Non-Finnish European, 0.000085%; no homozygotes.

Submission:

Labcorp Genetics (formerly Invitae), Labcorp
Classification: Uncertain significance for Dilated cardiomyopathy 1O. Last evaluated: 2024-02-16. Review status: criteria provided, single submitter. Criteria: Invitae Variant Classification Sherloc (09022015). Collection method: clinical testing. Allele origin: germline.
Comment: This sequence change replaces threonine, which is neutral and polar, with asparagine, which is neutral and polar, at codon 1027 of the ABCC9 protein (p.Thr1027Asn). This variant is present in population databases (no rsID available, gnomAD 0.0009%). This variant has not been reported in the literature in individuals affected with ABCC9-related conditions. Advanced modeling of protein sequence and biophysical properties (such as structural, functional, and spatial information, amino acid conservation, physicochemical variation, residue mobility, and thermodynamic stability) performed at Invitae indicates that this missense variant is not expected to disrupt ABCC9 protein function with a negative predictive value of 95%. In summary, the available evidence is currently insufficient to determine the role of this variant in disease. Therefore, it has been classified as a Variant of Uncertain Significance.

NM_020297.4(ABCC9):c.3080C>A (p.Thr1027Asn)

Gene: ABCC9 (ATP binding cassette subfamily C member 9; minus strand). Cytogenetic location: 12p12.1.
Variant type: single nucleotide variant.
Coding change: c.3080C>A on transcript NM_020297.4 (MANE Select); coding-DNA position 3080, C replaced by A.
Protein change: p.Thr1027Asn; replaces threonine 1027 with asparagine.
Molecular consequence: missense variant.
Genome position (GRCh38, 1-based): chr12:21,845,619, G>T on the plus strand (C>A on the coding strand, the complement: ABCC9 is on the minus strand). VCF-style: chr12-21845619-G-T. GRCh37 (hg19) VCF-style: chr12-21998553-G-T.
Other names: c.3080C>A, p.Thr1027Asn (NM_001377273.1, NM_005691.4); c.2213C>A, p.Thr738Asn (NM_001377274.1); short protein forms T1027N, T738N.
Identifiers: ClinVar variation 3627217 (VCV003627217.2).